The following is an entry in ClinVar:

ClinVar aggregate classification (germline): Uncertain significance (1 of 4 stars; one submission).

Conditions:
Tietz syndrome (TADS). Also called: HYPOPIGMENTATION/DEAFNESS OF TIETZ; TIETZ ALBINISM-DEAFNESS SYNDROME; ALBINISM-DEAFNESS OF TIETZ. Identifiers: Orphanet 42665, MedGen C0391816, MONDO:0007077, OMIM 103500.
Waardenburg syndrome type 2A (WS2A). Also called: WAARDENBURG SYNDROME WITHOUT DYSTOPIA CANTHORUM. Identifiers: Orphanet 3440, MedGen C1860339, MONDO:0008671, OMIM 193510.
Melanoma, cutaneous malignant, susceptibility to, 8. Also called: MELANOMA AND RENAL CELL CARCINOMA, SUSCEPTIBILITY TO; Cutaneous malignant melanoma 8. Identifiers: Orphanet 293822, MedGen C3152204, MONDO:0013759, OMIM 614456.

Submission:

Labcorp Genetics (formerly Invitae), Labcorp
Classification: Uncertain significance for Melanoma, cutaneous malignant, susceptibility to, 8; Waardenburg syndrome type 2A; Tietz syndrome. Last evaluated: 2024-06-16. Review status: criteria provided, single submitter. Criteria: Invitae Variant Classification Sherloc (09022015). Collection method: clinical testing. Allele origin: germline.
Comment: This sequence change replaces methionine, which is neutral and non-polar, with arginine, which is basic and polar, at codon 116 of the MITF protein (p.Met116Arg). This variant is not present in population databases (gnomAD no frequency). This variant has not been reported in the literature in individuals affected with MITF-related conditions. An algorithm developed to predict the effect of missense changes on protein structure and function (PolyPhen-2) suggests that this variant is likely to be tolerated. In summary, the available evidence is currently insufficient to determine the role of this variant in disease. Therefore, it has been classified as a Variant of Uncertain Significance.

NM_001354604.2(MITF):c.668T>G (p.Met223Arg)

Gene: MITF (melanocyte inducing transcription factor; plus strand). Cytogenetic location: 3p13.
Variant type: single nucleotide variant.
Coding change: c.668T>G on transcript NM_001354604.2 (MANE Select); coding-DNA position 668, T replaced by G.
Protein change: p.Met223Arg; replaces methionine 223 with arginine.
Molecular consequence: missense variant.
Genome position (GRCh38, 1-based): chr3:69,941,237, T>G. VCF-style: chr3-69941237-T-G. GRCh37 (hg19) VCF-style: chr3-69990388-T-G.
Other names: c.665T>G, p.Met222Arg (NM_001354605.2, NM_001354606.2, NM_006722.3); c.617T>G, p.Met206Arg (NM_001354607.2); c.347T>G, p.Met116Arg (NM_000248.4, NM_198158.3); c.512T>G, p.Met171Arg (NM_001184967.2, NM_001354608.2); c.668T>G, p.Met223Arg (NM_198159.3); c.620T>G, p.Met207Arg (NM_198177.3); c.179T>G, p.Met60Arg (NM_198178.3); short protein forms M116R, M171R, M206R, M207R, M222R, M223R, M60R.
Identifiers: ClinVar variation 3756848 (VCV003756848.2).